The following is an entry in ClinVar:

NM_025144.4(ALPK1):c.1576A>G (p.Asn526Asp)

Gene: ALPK1 (alpha kinase 1; plus strand). Cytogenetic location: 4q25.
Variant type: single nucleotide variant.
Coding change: c.1576A>G on transcript NM_025144.4 (MANE Select); coding-DNA position 1576, A replaced by G.
Protein change: p.Asn526Asp; replaces asparagine 526 with aspartic acid.
Molecular consequence: missense variant.
Genome position (GRCh38, 1-based): chr4:112,431,123, A>G. VCF-style: chr4-112431123-A-G. GRCh37 (hg19) VCF-style: chr4-113352279-A-G.
Other names: c.1576A>G, p.Asn526Asp (NM_001102406.2); c.1342A>G, p.Asn448Asp (NM_001253884.2); short protein forms N526D, N448D.
Identifiers: ClinVar variation 1995678 (VCV001995678.4), dbSNP rs2476503696, ClinGen allele CA357895651.

ClinVar aggregate classification (germline): Uncertain significance (1 of 4 stars; one submission).

Allele frequency attached by ClinVar (database versions not stated): gnomAD exomes below 0.00001.
gnomAD v4.1: 2 of 1,614,198 alleles (0.00012%); highest among the groups gnomAD compares: Admixed American, 0.0017%; no homozygotes.

Submission:

Labcorp Genetics (formerly Invitae), Labcorp
Classification: Uncertain significance. Last evaluated: 2025-09-14. Review status: criteria provided, single submitter. Criteria: Invitae Variant Classification Sherloc (09022015). Collection method: clinical testing. Allele origin: germline.
Comment: This sequence change replaces asparagine, which is neutral and polar, with aspartic acid, which is acidic and polar, at codon 526 of the ALPK1 protein (p.Asn526Asp). This variant is not present in population databases (gnomAD no frequency). This variant has not been reported in the literature in individuals affected with ALPK1-related conditions. ClinVar contains an entry for this variant (Variation ID: 1995678). Invitae Evidence Modeling of protein sequence and biophysical properties (such as structural, functional, and spatial information, amino acid conservation, physicochemical variation, residue mobility, and thermodynamic stability) indicates that this missense variant is not expected to disrupt ALPK1 protein function with a negative predictive value of 80%. In summary, the available evidence is currently insufficient to determine the role of this variant in disease. Therefore, it has been classified as a Variant of Uncertain Significance.